The following is an entry in ClinVar:

ClinVar aggregate classification (germline): Uncertain significance (1 of 4 stars; one submission).

Submission:

Women's Health and Genetics/Laboratory Corporation of America, LabCorp
Classification: Uncertain significance. Last evaluated: 2025-09-22. Review status: criteria provided, single submitter. Criteria: LabCorp Variant Classification Summary - May 2015. Collection method: clinical testing. Allele origin: germline.
Comment: Variant summary: HOXA2 c.202G>T (p.Gly68Cys) results in a non-conservative amino acid change in the encoded protein sequence. Algorithms developed to predict the effect of missense changes on protein structure and function are either unavailable or do not agree on the potential impact of this missense change. The variant allele was found at a frequency of 2.5e-05 in 242216 control chromosomes. The available data on variant occurrences in the general population are insufficient to allow any conclusion about variant significance. To our knowledge, no occurrence of c.202G>T in individuals affected with HOXA2-related conditions and no experimental evidence demonstrating its impact on protein function have been reported. No submitters have cited clinical-significance assessments for this variant to ClinVar. Based on the evidence outlined above, the variant was classified as uncertain significance.

NM_006735.4(HOXA2):c.202G>T (p.Gly68Cys)

Gene: HOXA2 (homeobox A2; minus strand). Cytogenetic location: 7p15.2.
Variant type: single nucleotide variant.
Coding change: c.202G>T on transcript NM_006735.4 (MANE Select); coding-DNA position 202, G replaced by T.
Protein change: p.Gly68Cys; replaces glycine 68 with cysteine.
Molecular consequence: missense variant.
Genome position (GRCh38, 1-based): chr7:27,102,299, C>A on the plus strand (G>T on the coding strand, the complement: HOXA2 is on the minus strand). VCF-style: chr7-27102299-C-A. GRCh37 (hg19) VCF-style: chr7-27141918-C-A.
Other names: short protein forms G68C.
Identifiers: ClinVar variation 4536064 (VCV004536064.1).
Genomic context (GRCh38, chr7:27,102,299, plus strand): 5'-CGGCGGGCACCGGGCTGCCGCGGCTGCCCGCGGGGCTCGGCTTGGGGCGGCCGCCAGCGC[C>A]GTGGCGAGGGTGACTGCCGGGGTTCAGGCTGGGAATGGTCTGCTCAAAAGGAGGAGGAAT-3'
Protein context (NP_006726.1, residues 58-78): SLNPGSHPRH[Gly68Cys]AGGRPKPSPA